The following is an entry in ClinVar:

ClinVar aggregate classification (germline): Uncertain significance (1 of 4 stars; one submission).

Submission:

Dasa
Classification: Uncertain significance. Last evaluated: 2025-07-26. Review status: criteria provided, single submitter. Criteria: DASA Assertion Criteria. Collection method: clinical testing. Allele origin: germline.
Comment: NM_004606.5(TAF1):c.347A>G (p.His116Arg) is a missense variant that results in the substitution of histidine with arginine. This variant is absent from population databases. Computational prediction algorithms are consistent with a benign effect. The currently available literature and clinical evidence are not sufficient to establish a definitive association between this variant and the reported condition. Therefore, this variant is classified as a variant of uncertain significance.

NM_004606.5(TAF1):c.347A>G (p.His116Arg)

Gene: TAF1 (TATA-box binding protein associated factor 1; plus strand). Cytogenetic location: Xq13.1.
Variant type: single nucleotide variant.
Coding change: c.347A>G on transcript NM_004606.5 (MANE Select); coding-DNA position 347, A replaced by G.
Protein change: p.His116Arg; replaces histidine 116 with arginine.
Molecular consequence: missense variant. On other transcripts: non-coding transcript variant (9).
Genome position (GRCh38, 1-based): chrX:71,368,165, A>G. VCF-style: chrX-71368165-A-G. GRCh37 (hg19) VCF-style: chrX-70588015-A-G.
Other names: c.347A>G, p.His116Arg (NM_001286074.2, NM_001440852.1, NM_001440853.1 and 2 more transcripts); short protein forms H116R.
Identifiers: ClinVar variation 5020906 (VCV005020906.1).
Genomic context (GRCh38, chrX:71,368,165, plus strand): 5'-TGGCAGAAGATGAAAGCCGAAGATACCAGCAGACGATGGGGAGCTTGCAGCCCCTTTGCC[A>G]CTCAGGTGATTCTTTGGTGTATTGGCTTGAACATTCCAGTGCATTATCCTGCTGTATAGT-3'
Protein context (NP_004597.3, residues 106-126): QTMGSLQPLC[His116Arg]SDYDEDDYDA